The following is an entry in ClinVar:

NM_024408.4(NOTCH2):c.5858G>A (p.Arg1953His)

Gene: NOTCH2 (notch receptor 2; minus strand). Cytogenetic location: 1p12.
Variant type: single nucleotide variant.
Coding change: c.5858G>A on transcript NM_024408.4 (MANE Select); coding-DNA position 5858, G replaced by A.
Protein change: p.Arg1953His; replaces arginine 1953 with histidine.
Molecular consequence: missense variant.
Genome position (GRCh38, 1-based): chr1:119,918,477, C>T on the plus strand (G>A on the coding strand, the complement: NOTCH2 is on the minus strand). VCF-style: chr1-119918477-C-T. GRCh37 (hg19) VCF-style: chr1-120461100-C-T.
Other names: c.5858G>A (NM_024408.3); short protein forms R1953H.
Identifiers: ClinVar variation 41264 (VCV000041264.6), dbSNP rs312262797, ClinGen allele CA344287.

ClinVar aggregate classification (germline): Uncertain significance. Review status: criteria provided, multiple submitters, no conflicts (2 of 4 stars). 2 submissions from 2 submitters: Uncertain significance (2). Last evaluated 2025-12-11.

Conditions:
NOTCH2-related disorder. Also called: NOTCH2-related condition.

Allele frequency attached by ClinVar (database versions not stated): gnomAD exomes below 0.00001.
gnomAD v4.1: 2 of 1,614,120 alleles (0.00012%); highest among the groups gnomAD compares: Non-Finnish European, 0.00017%; no homozygotes.

Submissions (2):

PreventionGenetics, part of Exact Sciences
Classification: Uncertain significance for NOTCH2-related condition. Last evaluated: 2025-12-11. Review status: criteria provided, single submitter. Criteria: ACMG Guidelines, 2015. Collection method: clinical testing. Allele origin: germline.
Comment: The NOTCH2 c.5858G>A variant is predicted to result in the amino acid substitution p.Arg1953His. This variant has been reported in at least two unrelated individuals with Alagille syndrome (Kamath et al. 2012. PubMed ID: 22209762; Vandriel et al. 2025. PubMed ID: 40742203). This variant has not been reported in a large population database (gnomAD), indicating this variant is rare. However, in gnomAD v4 (available only on GRCh38), this variant is reported in two (0.0001695%) alleles in the European (non-Finnish) subpopulation. Although we suspect that this variant may be pathogenic, at this time, the clinical significance of this variant is uncertain due to the absence of conclusive functional and genetic evidence.

Eurofins Ntd Llc (ga)
Classification: Uncertain significance. Last evaluated: 2018-05-25. Review status: criteria provided, single submitter. Criteria: EGL ClinVar v180209 classification definitions. Collection method: clinical testing. Allele origin: germline. Observed: 3 variant alleles, 3 heterozygotes.